The following is an entry in ClinVar:

ClinVar aggregate classification (germline): Uncertain significance. Review status: criteria provided, multiple submitters, no conflicts (2 of 4 stars). 2 submissions from 2 submitters: Uncertain significance (2). Last evaluated 2024-05-07.

Allele frequency attached by ClinVar (database versions not stated): TOPMed below 0.00001; gnomAD 0.00001.
gnomAD v4.1: 3 of 1,613,764 alleles (0.00019%); highest among the groups gnomAD compares: Non-Finnish European, 0.00025%; no homozygotes.

Submissions (2):

Ambry Genetics
Classification: Uncertain significance. Last evaluated: 2024-05-07. Review status: criteria provided, single submitter. Criteria: Ambry Variant Classification Scheme 2023. Collection method: clinical testing. Allele origin: germline.
Comment: The p.S205F variant (also known as c.614C>T), located in coding exon 5 of the RINT1 gene, results from a C to T substitution at nucleotide position 614. The serine at codon 205 is replaced by phenylalanine, an amino acid with highly dissimilar properties. This amino acid position is conserved. In addition, this alteration is predicted to be tolerated by in silico analysis. Since supporting evidence is limited at this time, the clinical significance of this alteration remains unclear.

Labcorp Genetics (formerly Invitae), Labcorp
Classification: Uncertain significance. Last evaluated: 2022-09-30. Review status: criteria provided, single submitter. Criteria: Invitae Variant Classification Sherloc (09022015). Collection method: clinical testing. Allele origin: germline.
Comment: Algorithms developed to predict the effect of missense changes on protein structure and function are either unavailable or do not agree on the potential impact of this missense change (SIFT: "Tolerated"; PolyPhen-2: "Probably Damaging"; Align-GVGD: "Class C0"). In summary, the available evidence is currently insufficient to determine the role of this variant in disease. Therefore, it has been classified as a Variant of Uncertain Significance. ClinVar contains an entry for this variant (Variation ID: 1063990). This variant has not been reported in the literature in individuals affected with RINT1-related conditions. This variant is present in population databases (no rsID available, gnomAD 0.007%). This sequence change replaces serine, which is neutral and polar, with phenylalanine, which is neutral and non-polar, at codon 205 of the RINT1 protein (p.Ser205Phe).

NM_021930.6(RINT1):c.614C>T (p.Ser205Phe)

Gene: RINT1 (RAD50 interactor 1; plus strand). Cytogenetic location: 7q22.3.
Variant type: single nucleotide variant.
Coding change: c.614C>T on transcript NM_021930.6 (MANE Select); coding-DNA position 614, C replaced by T.
Protein change: p.Ser205Phe; replaces serine 205 with phenylalanine.
Molecular consequence: missense variant. On other transcripts: 5 prime UTR variant (2), non-coding transcript variant (1), intron variant (1).
Genome position (GRCh38, 1-based): chr7:105,547,008, C>T. VCF-style: chr7-105547008-C-T. GRCh37 (hg19) VCF-style: chr7-105187455-C-T.
Other names: c.380C>T, p.Ser127Phe (NM_001346599.2); c.-406C>T (NM_001346600.2); c.-309C>T (NM_001346601.2); c.-27-3047C>T (NM_001346603.2); short protein forms S127F, S205F.
Identifiers: ClinVar variation 1063990 (VCV001063990.10), dbSNP rs1169125602, ClinGen allele CA368805562.
Genomic context (GRCh38, chr7:105,547,008, plus strand): 5'-CGGAGGCAGCCTCCACTCTAGTGTCTATGGCAGAACTTGACATTAAACTTCAGGAATCAT[C>T]TTGTACTCATCTTCTTGGTTTCATGAGAGCCACAGTTAAATTCTGGCATAAAATTCTCAA-3'
Protein context (NP_068749.3, residues 195-215): AELDIKLQES[Ser205Phe]CTHLLGFMRA